The following is an entry in ClinVar:

NM_006005.3(WFS1):c.*605T>C

Gene: WFS1 (wolframin ER transmembrane glycoprotein; plus strand). Cytogenetic location: 4p16.1.
Variant type: single nucleotide variant.
Coding change: c.*605T>C on transcript NM_006005.3 (MANE Select); 605 bases downstream of the stop codon, T replaced by C.
Molecular consequence: 3 prime UTR variant.
Genome position (GRCh38, 1-based): chr4:6,303,073, T>C. VCF-style: chr4-6303073-T-C. GRCh37 (hg19) VCF-style: chr4-6304800-T-C.
Other names: c.*605T>C (NM_001145853.1).
Identifiers: ClinVar variation 349355 (VCV000349355.6), dbSNP rs886059538, ClinGen allele CA10621499.
Genomic context (GRCh38, chr4:6,303,073, plus strand): 5'-GGCACATTGGCAGTGTGTCACACTGAGCTGGGCACCACAGGCTGCCTCATGACCCTCCTG[T>C]CCAGCAGGTAGTGGGTGAATGTGTGAAGGTCTTGCCTGAATCCATCAGGACTTGGGAAAC-3'

ClinVar aggregate classification (germline): Conflicting classifications of pathogenicity. Review status: criteria provided, conflicting classifications (1 of 4 stars). 3 submissions from 2 submitters: Uncertain significance (2); Benign (1). Last evaluated 2018-01-13.

Conditions:
Wolfram syndrome 1 (WFS1). Identifiers: Orphanet 3463, MedGen C4551693, MONDO:0009101, OMIM 222300.
WFS1-Related Spectrum Disorders.
Autosomal dominant nonsyndromic hearing loss 6 (LFSNHL). Also called: DEAFNESS, AUTOSOMAL DOMINANT 6; DEAFNESS, AUTOSOMAL DOMINANT 14; DEAFNESS, AUTOSOMAL DOMINANT 38; Autosomal dominant nonsyndromic deafness 6; DIDMOAD (Diabetes Insipidus, Diabetes Mellitus, Optic Atrophy, and Deafness). Identifiers: Orphanet 90635, MedGen C1833021, MONDO:0010963, OMIM 600965.

Allele frequency attached by ClinVar (database versions not stated): gnomAD 0.00005 and 0.00006; TOPMed 0.00008.

Submissions (3):

Illumina Laboratory Services, Illumina
Classification: Uncertain significance for WFS1-Related Spectrum Disorders. Last evaluated: 2018-01-13. Review status: criteria provided, single submitter. Criteria: ICSL Variant Classification Criteria 13 December 2019. Collection method: clinical testing. Allele origin: germline.

Illumina Laboratory Services, Illumina
Classification: Uncertain significance for Autosomal dominant nonsyndromic hearing loss 6. Last evaluated: 2018-01-13. Review status: criteria provided, single submitter. Criteria: ICSL Variant Classification Criteria 13 December 2019. Collection method: clinical testing. Allele origin: germline.

Clinical Genomics, Uppaluri K&H Personalized Medicine Clinic
Classification: Benign for Wolfram syndrome 1. Review status: criteria provided, single submitter. Criteria: K & H Uppaluri Personalized Medicine Clinic Variant Classification & Assertion Criteria_Updated V.1. Collection method: research. Allele origin: unknown. Inheritance: Autosomal recessive inheritance.
Comment: Potent mutations in WFS1 gene are associated with Wolfram's syndrome, an autosomal recessive condition, which cause diabetes mellitus, diabetes insipidus, deafness and optic atrophy.However no sufficient evidence is found to ascertain the role of this particular variant rs886059538 in Wolfram's syndrome yet.

Literature cited by the submitters: PubMed 20738327 (cited by Clinical Genomics, Uppaluri K&H Personalized Medicine Clinic); PubMed 33879153 (cited by Clinical Genomics, Uppaluri K&H Personalized Medicine Clinic); PubMed 12955714 (cited by Clinical Genomics, Uppaluri K&H Personalized Medicine Clinic); PubMed 18060660 (cited by Clinical Genomics, Uppaluri K&H Personalized Medicine Clinic); PubMed 20301750 (cited by Clinical Genomics, Uppaluri K&H Personalized Medicine Clinic); PubMed 17603484 (cited by Clinical Genomics, Uppaluri K&H Personalized Medicine Clinic).